The following is an entry in ClinVar:

ClinVar aggregate classification (germline): Likely pathogenic (1 of 4 stars; one submission).

Conditions:
Autosomal recessive limb-girdle muscular dystrophy type 2J (LGMDR10). Also called: Limb-girdle muscular dystrophy, type 2J; MUSCULAR DYSTROPHY, LIMB-GIRDLE, AUTOSOMAL RECESSIVE 10. Identifiers: Orphanet 140922, MedGen C1837342, MONDO:0012127, OMIM 608807.
Dilated cardiomyopathy 1G (CMD1G). Identifiers: Orphanet 154, MedGen C1858763, MONDO:0011400, OMIM 604145.

Submission:

Labcorp Genetics (formerly Invitae), Labcorp
Classification: Likely pathogenic for Dilated cardiomyopathy 1G; Autosomal recessive limb-girdle muscular dystrophy type 2J. Last evaluated: 2025-10-19. Review status: criteria provided, single submitter. Criteria: Invitae Variant Classification Sherloc (09022015). Collection method: clinical testing. Allele origin: germline.
Comment: This variant results in the deletion of part of exon 213 (c.40057_40057+20del) of the TTN gene. It is expected to disrupt RNA splicing and likely results in a truncated or disrupted TTN protein. This variant is not present in population databases (gnomAD no frequency). This variant has not been reported in the literature in individuals affected with TTN-related conditions. This variant is located in the I band of TTN (PMID: 25589632). Truncating variants in this region have been reported in individuals affected with autosomal recessive centronuclear myopathy (PMID: 23975875, internal data). Truncating variants in this region have also been identified in individuals affected with autosomal dominant dilated cardiomyopathy and/or cardio-related conditions (PMID: 27869827, 32964742, internal data). In summary, the currently available evidence indicates that the variant is pathogenic, but additional data are needed to prove that conclusively. Therefore, this variant has been classified as Likely Pathogenic.

Literature cited by the submitters: PubMed 25589632; PubMed 23975875; PubMed 27869827; PubMed 32964742.

NM_001267550.2(TTN):c.40057_40057+20del

Gene: TTN (titin; minus strand). Cytogenetic location: 2q31.2.
Variant type: Deletion.
Coding change: c.40057_40057+20del on transcript NM_001267550.2 (MANE Select); coding-DNA position 40057 through 20 bases into the intron after coding-DNA position 40057, 21 bases deleted (GGTACCTACCATGAAGAAAAA).
Molecular consequence: splice donor variant. On other transcripts: intron variant (5).
Genome position (GRCh38, 1-based): chr2:178,649,228-178,649,248, TTTTTCTTCATGGTAGGTACC deleted on the plus strand (GGTACCTACCATGAAGAAAAA on the coding strand, the reverse complement: TTN is on the minus strand); deleting any 21 consecutive bases within chr2:178,649,228-178,649,255 gives the same sequence; the c. name uses the placement nearest the transcript's 3' end. VCF-style (leftmost placement, unchanged base first): chr2-178649227-TTTTTTCTTCATGGTAGGTACC-T. GRCh37 (hg19) VCF-style: chr2-179513954-TTTTTTCTTCATGGTAGGTACC-T.
Other names: c.13283-6931_13283-6911del (NM_003319.4); c.13859-6931_13859-6911del (NM_133437.4); c.13658-6931_13658-6911del (NM_133432.3); c.32593+569_32593+589del (NM_133378.4); c.35374+569_35374+589del (NM_001256850.1).
Identifiers: ClinVar variation 4786473 (VCV004786473.1).